The following is an entry in ClinVar:

NM_001134363.3(RBM20):c.2904C>T (p.Ala968=)

Gene: RBM20 (RNA binding motif protein 20; plus strand). Cytogenetic location: 10q25.2.
Variant type: single nucleotide variant.
Coding change: c.2904C>T on transcript NM_001134363.3 (MANE Select); coding-DNA position 2904, C replaced by T.
Protein change: p.Ala968=; no amino-acid change (alanine 968 retained).
Molecular consequence: synonymous variant.
Genome position (GRCh38, 1-based): chr10:110,821,523, C>T. VCF-style: chr10-110821523-C-T. GRCh37 (hg19) VCF-style: chr10-112581281-C-T.
Other names: p.A968A:GCC>GCT; c.2904C>T (LRG_382t1).
Identifiers: ClinVar variation 138903 (VCV000138903.45), dbSNP rs587781138, ClinGen allele CA333152.

ClinVar aggregate classification (germline): Benign/Likely benign. Review status: criteria provided, multiple submitters, no conflicts (2 of 4 stars). 5 submissions from 5 submitters: Benign (1); Likely benign (4). Last evaluated 2025-10-17.

Conditions:
Cardiovascular phenotype. Identifiers: MedGen CN230736.
Dilated cardiomyopathy 1DD (CMD1DD). Identifiers: Orphanet 154, MedGen C2750995, MONDO:0013168, OMIM 613172.

Allele frequency attached by ClinVar (database versions not stated): gnomAD 0.00001; TOPMed 0.00001; gnomAD exomes 0.00002.
gnomAD v4.1: 30 of 1,551,850 alleles (0.0019%); highest among the groups gnomAD compares: East Asian, 0.012%; no homozygotes.

Submissions (5):

Labcorp Genetics (formerly Invitae), Labcorp
Classification: Likely benign for Dilated cardiomyopathy 1DD. Last evaluated: 2025-10-17. Review status: criteria provided, single submitter. Criteria: Invitae Variant Classification Sherloc (09022015). Collection method: clinical testing. Allele origin: germline.

Blueprint Genetics
Classification: Likely benign. Last evaluated: 2023-12-19. Review status: criteria provided, single submitter. Criteria: ACMG Guidelines, 2015. Collection method: clinical testing. Allele origin: germline.

Ambry Genetics
Classification: Likely benign for Cardiovascular phenotype. Last evaluated: 2023-07-24. Review status: criteria provided, single submitter. Criteria: Ambry Variant Classification Scheme 2023. Collection method: clinical testing. Allele origin: germline.

CeGaT Center for Human Genetics Tuebingen
Classification: Likely benign. Last evaluated: 2023-07-01. Review status: criteria provided, single submitter. Criteria: CeGaT Center For Human Genetics Tuebingen Variant Classification Criteria Version 2. Collection method: clinical testing. Allele origin: germline. Affected: yes. Observed: 2 variant alleles.
Comment: RBM20: BP4, BP7

GeneDx
Classification: Benign. Last evaluated: 2014-01-08. Review status: criteria provided, single submitter. Criteria: GeneDx Variant Classification (06012015). Collection method: clinical testing. Allele origin: germline. Affected: yes.
Comment: This variant is considered likely benign or benign based on one or more of the following criteria: it is a conservative change, it occurs at a poorly conserved position in the protein, it is predicted to be benign by multiple in silico algorithms, and/or has population frequency not consistent with disease.